The following is an entry in ClinVar:

ClinVar aggregate classification (germline): Likely benign. Review status: criteria provided, single submitter (1 of 4 stars). 2 submissions from 2 submitters: Likely benign (1). 1 of the submissions does not count toward it. Last evaluated 2024-05-01.

Conditions:
H1-4-related disorder. Also called: H1-4-related condition.

Allele frequency attached by ClinVar (database versions not stated): 1000 Genomes Project 30x 0.00016; 1000 Genomes Project 0.00020.

Submissions (2):

CeGaT Center for Human Genetics Tuebingen
Classification: Likely benign. Last evaluated: 2024-05-01. Review status: criteria provided, single submitter. Criteria: CeGaT Center For Human Genetics Tuebingen Variant Classification Criteria Version 2. Collection method: clinical testing. Allele origin: germline. Affected: yes. Observed: 1 variant allele.
Comment: H1-4: BP4, BP7

PreventionGenetics, part of Exact Sciences
Classification: Likely benign for H1-4-related condition. Last evaluated: 2019-04-15. Review status: no assertion criteria provided. Collection method: clinical testing. Allele origin: germline. Not counted in ClinVar's aggregate classification.
Comment: This variant is classified as likely benign based on ACMG/AMP sequence variant interpretation guidelines (Richards et al. 2015 PMID: 25741868, with internal and published modifications).

NM_005321.3(H1-4):c.117G>A (p.Pro39=)

Gene: H1-4 (H1.4 linker histone, cluster member; plus strand). Cytogenetic location: 6p22.2.
Variant type: single nucleotide variant.
Coding change: c.117G>A on transcript NM_005321.3 (MANE Select); coding-DNA position 117, G replaced by A.
Protein change: p.Pro39=; no amino-acid change (proline 39 retained).
Molecular consequence: synonymous variant.
Genome position (GRCh38, 1-based): chr6:26,156,507, G>A. VCF-style: chr6-26156507-G-A. GRCh37 (hg19) VCF-style: chr6-26156735-G-A.
Identifiers: ClinVar variation 3058379 (VCV003058379.20), dbSNP rs35578662, ClinGen allele CA3667916.
Genomic context (GRCh38, chr6:26,156,507, plus strand): 5'-CGTGAAGAAGAAGGCCCGCAAGTCTGCAGGTGCGGCCAAGCGCAAAGCGTCTGGGCCCCC[G>A]GTGTCCGAGCTCATTACTAAAGCTGTTGCCGCCTCCAAGGAGCGCAGCGGCGTATCTTTG-3'
Protein context (NP_005312.1, residues 29-49): GAAKRKASGP[Pro39=]VSELITKAVA